The following is an entry in ClinVar:

NM_000751.3(CHRND):c.646C>T (p.Arg216Trp)

Gene: CHRND (cholinergic receptor nicotinic delta subunit; plus strand). Cytogenetic location: 2q37.1.
Variant type: single nucleotide variant.
Coding change: c.646C>T on transcript NM_000751.3 (MANE Select); coding-DNA position 646, C replaced by T.
Protein change: p.Arg216Trp; replaces arginine 216 with tryptophan.
Molecular consequence: missense variant. On other transcripts: intron variant (1).
Genome position (GRCh38, 1-based): chr2:232,529,965, C>T. VCF-style: chr2-232529965-C-T. GRCh37 (hg19) VCF-style: chr2-233394675-C-T.
Other names: c.601C>T, p.Arg201Trp (NM_001256657.2); c.343C>T, p.Arg115Trp (NM_001311196.2); c.238+1309C>T (NM_001311195.2); short protein forms R216W, R201W, R115W.
Identifiers: ClinVar variation 570038 (VCV000570038.15), dbSNP rs777271963, ClinGen allele CA2168107.

ClinVar aggregate classification (germline): Uncertain significance. Review status: criteria provided, multiple submitters, no conflicts (2 of 4 stars). 4 submissions from 4 submitters: Uncertain significance (3). 1 of the submissions does not count toward it. Last evaluated 2025-09-22.

Conditions:
Lethal multiple pterygium syndrome (LMPS). Identifiers: Orphanet 33108, MedGen C1854678, MONDO:0009668, OMIM 253290.
CHRND-related disorder. Also called: CHRND-related condition; CHRND-Related Disorders.

Allele frequency attached by ClinVar (database versions not stated): gnomAD 0.00003 and 0.00010; TOPMed 0.00004; gnomAD exomes 0.00022; ExAC 0.00026; 1000 Genomes Project 30x 0.00031.

Submissions (4):

Labcorp Genetics (formerly Invitae), Labcorp
Classification: Uncertain significance for Lethal multiple pterygium syndrome. Last evaluated: 2025-09-22. Review status: criteria provided, single submitter. Criteria: Invitae Variant Classification Sherloc (09022015). Collection method: clinical testing. Allele origin: germline.
Comment: This sequence change replaces arginine, which is basic and polar, with tryptophan, which is neutral and slightly polar, at codon 216 of the CHRND protein (p.Arg216Trp). This variant is present in population databases (rs777271963, gnomAD 0.2%). This variant has not been reported in the literature in individuals affected with CHRND-related conditions. ClinVar contains an entry for this variant (Variation ID: 570038). Invitae Evidence Modeling of protein sequence and biophysical properties (such as structural, functional, and spatial information, amino acid conservation, physicochemical variation, residue mobility, and thermodynamic stability) has been performed for this missense variant. However, the output from this modeling did not meet the statistical confidence thresholds required to predict the impact of this variant on CHRND protein function. In summary, the available evidence is currently insufficient to determine the role of this variant in disease. Therefore, it has been classified as a Variant of Uncertain Significance.

Blueprint Genetics
Classification: Uncertain significance. Last evaluated: 2024-07-02. Review status: criteria provided, single submitter. Criteria: ACMG Guidelines, 2015. Collection method: clinical testing. Allele origin: germline.

Revvity Omics, Revvity
Classification: Uncertain significance. Last evaluated: 2023-04-17. Review status: criteria provided, single submitter. Criteria: ACMG Guidelines, 2015. Collection method: clinical testing. Allele origin: germline.

PreventionGenetics, part of Exact Sciences
Classification: Likely benign for CHRND-related condition. Last evaluated: 2022-05-25. Review status: no assertion criteria provided. Collection method: clinical testing. Allele origin: germline. Not counted in ClinVar's aggregate classification.
Comment: This variant is classified as likely benign based on ACMG/AMP sequence variant interpretation guidelines (Richards et al. 2015 PMID: 25741868, with internal and published modifications).